The following is an entry in ClinVar:

NM_000235.4(LIPA):c.356A>G (p.Asn119Ser)

Gene: LIPA (lipase A, lysosomal acid type; minus strand). Cytogenetic location: 10q23.31.
Variant type: single nucleotide variant.
Coding change: c.356A>G on transcript NM_000235.4 (MANE Select); coding-DNA position 356, A replaced by G.
Protein change: p.Asn119Ser; replaces asparagine 119 with serine.
Molecular consequence: missense variant.
Genome position (GRCh38, 1-based): chr10:89,228,272, T>C on the plus strand (A>G on the coding strand, the complement: LIPA is on the minus strand). VCF-style: chr10-89228272-T-C. GRCh37 (hg19) VCF-style: chr10-90988029-T-C.
Other names: c.356A>G, p.Asn119Ser (NM_001127605.3); c.8A>G, p.Asn3Ser (NM_001288979.2); short protein forms N119S, N3S.
Identifiers: ClinVar variation 695060 (VCV000695060.2), dbSNP rs1589558218, ClinGen allele CA377517883.

ClinVar aggregate classification (germline): Likely pathogenic (1 of 4 stars; one submission).

Conditions:
Lysosomal acid lipase deficiency. Also called: Acid cholesteryl ester hydrolase deficiency, type 2. Identifiers: Orphanet 275761, MedGen C5574740, MONDO:0800449, MONDO:0010204.

Submission:

Alexion, Astrazeneca Rare Disease, Astrazeneca
Classification: Likely pathogenic for Lysosomal acid lipase deficiency. Last evaluated: 2019-06-01. Review status: criteria provided, single submitter. Criteria: ACMG Guidelines, 2015. Collection method: research. Allele origin: germline. Affected: yes.
Comment: ACMG PS3 criterion ascertained by in-vitro functional study, PMID:31180157

Literature cited by the submitters: PubMed 31180157; PubMed 18775687.